The following is an entry in ClinVar:

ClinVar aggregate classification (germline): Pathogenic (1 of 4 stars; one submission).

Conditions:
Polycystic kidney disease, adult type (PKD1). Also called: Polycystic Kidney, Autosomal Dominant; POLYCYSTIC KIDNEY DISEASE, ADULT, TYPE I; Polycystic Kidney Disease 1, Autosomal Dominant; Polycystic kidney disease 1; Polycystic kidney disease 1, severe; POLYCYSTIC KIDNEY DISEASE 1 WITH OR WITHOUT POLYCYSTIC LIVER DISEASE. Identifiers: MedGen C3149841, MONDO:0008263, OMIM 173900.

Submission:

Juno Genomics, Hangzhou Juno Genomics, Inc
Classification: Pathogenic for Polycystic kidney disease, adult type. Review status: criteria provided, single submitter. Criteria: ACMG Guidelines, 2015. Collection method: clinical testing. Allele origin: germline. Affected: yes.
Comment: Absent from controls (or at extremely low frequency if recessive) in Genome Aggregation Database.;Null variant in a gene where loss of function (LOF) is a known mechanism of disease.;Patient's phenotype or family history is highly specific for a disease with a single genetic etiology.

NM_001009944.3(PKD1):c.11509_11510del (p.Leu3837fs)

Genes: PKD1 (polycystin 1, transient receptor potential channel interacting; minus strand), PKD1-AS1 (PKD1 antisense RNA 1; plus strand). Cytogenetic location: 16p13.3.
Variant type: Deletion.
Coding change: c.11509_11510del on transcript NM_001009944.3 (MANE Select); coding-DNA positions 11509 to 11510, 2 bases deleted (CT; older notation c.11509_11510delCT).
Protein change: p.Leu3837fs; shifts the reading frame from leucine 3837.
Molecular consequence: frameshift variant.
Genome position (GRCh38, 1-based): chr16:2,091,808-2,091,809, AG deleted on the plus strand (CT on the coding strand, the reverse complement: PKD1 is on the minus strand). VCF-style (leftmost placement, unchanged base first): chr16-2091807-CAG-C. GRCh37 (hg19) VCF-style: chr16-2141808-CAG-C.
Other names: c.11506_11507del, p.Leu3836fs (NM_000296.4); short protein forms L3836fs, L3837fs.
Identifiers: ClinVar variation 5018763 (VCV005018763.1).
Genomic context (GRCh38, chr16:2,091,807, plus strand): 5'-CCACCCCGGAGAGGGCAGGGGAGGGAGCTCCCACCTGTTGTCCAGCCAGTTGTGCAGCTG[CAG>C]GAAGCGCAGCCGGTCGCGGCTCTCCTCCAGGCTCAGGCCCAGCTCCTGCACGTAGCCCCC-3'